The following is an entry in ClinVar:

ClinVar aggregate classification (germline): Uncertain significance (1 of 4 stars; one submission).

Allele frequency attached by ClinVar (database versions not stated): gnomAD exomes 0.00003; ExAC 0.00005.
gnomAD v4.1: 138 of 1,614,104 alleles (0.0085%); highest among the groups gnomAD compares: Middle Eastern, 0.066%; no homozygotes.

Submission:

Labcorp Genetics (formerly Invitae), Labcorp
Classification: Uncertain significance. Last evaluated: 2026-01-18. Review status: criteria provided, single submitter. Criteria: Invitae Variant Classification Sherloc (09022015). Collection method: clinical testing. Allele origin: germline.
Comment: This sequence change replaces valine, which is neutral and non-polar, with methionine, which is neutral and non-polar, at codon 543 of the DUOX2 protein (p.Val543Met). This variant is present in population databases (rs765474223, gnomAD 0.01%). This variant has not been reported in the literature in individuals affected with DUOX2-related conditions. ClinVar contains an entry for this variant (Variation ID: 1436208). Invitae Evidence Modeling of protein sequence and biophysical properties (such as structural, functional, and spatial information, amino acid conservation, physicochemical variation, residue mobility, and thermodynamic stability) has been performed for this missense variant. However, the output from this modeling did not meet the statistical confidence thresholds required to predict the impact of this variant on DUOX2 protein function. In summary, the available evidence is currently insufficient to determine the role of this variant in disease. Therefore, it has been classified as a Variant of Uncertain Significance.

NM_001363711.2(DUOX2):c.1627G>A (p.Val543Met)

Gene: DUOX2 (dual oxidase 2; minus strand). Cytogenetic location: 15q21.1.
Variant type: single nucleotide variant.
Coding change: c.1627G>A on transcript NM_001363711.2 (MANE Select); coding-DNA position 1627, G replaced by A.
Protein change: p.Val543Met; replaces valine 543 with methionine.
Molecular consequence: missense variant.
Genome position (GRCh38, 1-based): chr15:45,107,411, C>T on the plus strand (G>A on the coding strand, the complement: DUOX2 is on the minus strand). VCF-style: chr15-45107411-C-T. GRCh37 (hg19) VCF-style: chr15-45399609-C-T.
Other names: c.1627G>A, p.Val543Met (NM_014080.5); short protein forms V543M.
Identifiers: ClinVar variation 1436208 (VCV001436208.5), dbSNP rs765474223, ClinGen allele CA7538541.